The following is an entry in ClinVar:

ClinVar aggregate classification (germline): Uncertain significance (1 of 4 stars; one submission).

Conditions:
Global developmental delay with speech and behavioral abnormalities. Identifiers: MedGen C5543226, MONDO:0030995, OMIM 619243.

Allele frequency attached by ClinVar (database versions not stated): gnomAD exomes below 0.00001.
gnomAD v4.1: 1 of 1,551,118 alleles (0.000064%); highest among the groups gnomAD compares: South Asian, 0.0012%; no homozygotes.

Submission:

Neuberg Centre For Genomic Medicine, NCGM
Classification: Uncertain significance for Global developmental delay with speech and behavioral abnormalities. Review status: criteria provided, single submitter. Criteria: ACMG Guidelines, 2015. Collection method: clinical testing. Allele origin: germline. Inheritance: Autosomal dominant inheritance. Affected: yes.
Comment: The missense variant c.3446T>C p.Leu1149Pro in the TNRC6B gene has not been reported previously as a pathogenic variant nor as a benign variant, to our knowledge. This variant is novel not in any individuals in gnomAD Exomes and 1000 Genomes. The amino acid Leucine at position 1149 is changed to a Proline changing protein sequence and it might alter its composition and physico-chemical properties. The variant is predicted as damaging by SIFT. The amino acid change p.Leu1149Pro in TNRC6B is predicted as conserved by GERP++ and PhyloP across 100 vertebrates. For these reasons, this variant has been classified as Uncertain Significance.

NM_001162501.2(TNRC6B):c.3446T>C (p.Leu1149Pro)

Gene: TNRC6B (trinucleotide repeat containing adaptor 6B; plus strand). Cytogenetic location: 22q13.1.
Variant type: single nucleotide variant.
Coding change: c.3446T>C on transcript NM_001162501.2 (MANE Select); coding-DNA position 3446, T replaced by C.
Protein change: p.Leu1149Pro; replaces leucine 1149 with proline.
Molecular consequence: missense variant. On other transcripts: intron variant (2).
Genome position (GRCh38, 1-based): chr22:40,281,153, T>C. VCF-style: chr22-40281153-T-C. GRCh37 (hg19) VCF-style: chr22-40677157-T-C.
Other names: c.1170+1010T>C (NM_001024843.2); c.3252+1010T>C (NM_015088.3); short protein forms L1149P.
Identifiers: ClinVar variation 3236429 (VCV003236429.2), dbSNP rs2518005856, ClinGen allele CA411651943.
Genomic context (GRCh38, chr22:40,281,153, plus strand): 5'-ATTGGCTAACTCCTACTACTTTTCAGCTGACTTTGCCTTTCTCCAATCAAGATGGGTGCC[T>C]TGGGGATGAGGCTCCCTGCTCTCCCTTCTCCCCTTCTCCCAGCTACAAGCTGTCTCCCTC-3'
Protein context (NP_001155973.1, residues 1139-1159): TLPFSNQDGC[Leu1149Pro]GDEAPCSPFS